The following is an entry in ClinVar:

ClinVar aggregate classification (germline): Uncertain significance. Review status: criteria provided, multiple submitters, no conflicts (2 of 4 stars). 2 submissions from 2 submitters: Uncertain significance (2). Last evaluated 2019-11-07.

Conditions:
Hereditary breast ovarian cancer syndrome. Also called: BRCA1- and BRCA2-Associated Hereditary Breast and Ovarian Cancer; Hereditary breast and ovarian cancer syndrome; Hereditary breast and ovarian cancer; Hereditary breast and ovarian cancer syndrome (HBOC); Breast and ovarian cancer; Hereditary breast and/or ovarian cancer syndrome. Identifiers: Orphanet 145, MedGen C0677776, MeSH D061325, MONDO:0003582. Disease mechanism: loss of function.

Submissions (2):

Labcorp Genetics (formerly Invitae), Labcorp
Classification: Uncertain significance for Hereditary breast ovarian cancer syndrome. Last evaluated: 2019-11-07. Review status: criteria provided, single submitter. Criteria: Invitae Variant Classification Sherloc (09022015). Collection method: clinical testing. Allele origin: germline.
Comment: In summary, the available evidence is currently insufficient to determine the role of this variant in disease. Therefore, it has been classified as a Variant of Uncertain Significance. Algorithms developed to predict the effect of missense changes on protein structure and function (SIFT, PolyPhen-2, Align-GVGD) all suggest that this variant is likely to be tolerated, but these predictions have not been confirmed by published functional studies and their clinical significance is uncertain. This variant has not been reported in the literature in individuals with BRCA2-related conditions. ClinVar contains an entry for this variant (Variation ID: 234854). This variant is not present in population databases (ExAC no frequency). This sequence change replaces valine with isoleucine at codon 144 of the BRCA2 protein (p.Val144Ile). The valine residue is weakly conserved and there is a small physicochemical difference between valine and isoleucine.

GeneDx
Classification: Uncertain significance. Last evaluated: 2016-02-22. Review status: criteria provided, single submitter. Criteria: GeneDx Variant Classification (06012015). Collection method: clinical testing. Allele origin: germline. Affected: yes.
Comment: This variant is denoted BRCA2 c.430G>A at the cDNA level, p.Val144Ile (V144I) at the protein level, and results in the change of a Valine to an Isoleucine (GTT>ATT). Using alternate nomenclature, this variant would be defined as BRCA2 658G>A. This variant has not, to our knowledge, been published in the literature as pathogenic or benign. BRCA2 Val144Ile was not observed in approximately 6,500 individuals of European and African American ancestry in the NHLBI Exome Sequencing Project, suggesting it is not a common benign variant in these populations. Since Valine and Isoleucine share similar properties, this is considered a conservative amino acid substitution. BRCA2 Val144Ile occurs at a position that is not conserved and is not located in a known functional domain. In silico analyses predict that this variant is unlikely to alter protein structure or function. Based on currently available evidence, it is unclear whether BRCA2 Val144Ile is a pathogenic or benign variant. We consider it to be a variant of uncertain significance.

NM_000059.4(BRCA2):c.430G>A (p.Val144Ile)

Gene: BRCA2 (BRCA2 DNA repair associated; plus strand). Cytogenetic location: 13q13.1.
Variant type: single nucleotide variant.
Coding change: c.430G>A on transcript NM_000059.4 (MANE Select); coding-DNA position 430, G replaced by A.
Protein change: p.Val144Ile; replaces valine 144 with isoleucine.
Molecular consequence: missense variant.
Genome position (GRCh38, 1-based): chr13:32,326,105, G>A. VCF-style: chr13-32326105-G-A. GRCh37 (hg19) VCF-style: chr13-32900242-G-A.
Other names: short protein forms V144I.
Identifiers: ClinVar variation 234854 (VCV000234854.12), dbSNP rs876661259, ClinGen allele CA10577458.